The following is an entry in ClinVar:

ClinVar aggregate classification (germline): Uncertain significance (1 of 4 stars; one submission).

Conditions:
Dilated cardiomyopathy 1G (CMD1G). Identifiers: Orphanet 154, MedGen C1858763, MONDO:0011400, OMIM 604145.
Autosomal recessive limb-girdle muscular dystrophy type 2J (LGMDR10). Also called: Limb-girdle muscular dystrophy, type 2J; MUSCULAR DYSTROPHY, LIMB-GIRDLE, AUTOSOMAL RECESSIVE 10. Identifiers: Orphanet 140922, MedGen C1837342, MONDO:0012127, OMIM 608807.

gnomAD v4.1: 5 of 1,431,800 alleles (0.00035%); highest among the groups gnomAD compares: Non-Finnish European, 0.00045%; no homozygotes.

Submission:

Labcorp Genetics (formerly Invitae), Labcorp
Classification: Uncertain significance for Dilated cardiomyopathy 1G; Autosomal recessive limb-girdle muscular dystrophy type 2J. Last evaluated: 2023-02-01. Review status: criteria provided, single submitter. Criteria: Invitae Variant Classification Sherloc (09022015). Collection method: clinical testing. Allele origin: germline.
Comment: In summary, the available evidence is currently insufficient to determine the role of this variant in disease. Therefore, it has been classified as a Variant of Uncertain Significance. This sequence change creates a premature translational stop signal (p.Lys11496*) in the TTN gene. While this is not anticipated to result in nonsense mediated decay, it is expected to create a truncated TTN protein. This variant is not present in population databases (gnomAD no frequency). This variant has not been reported in the literature in individuals affected with TTN-related conditions. Algorithms developed to predict the effect of sequence changes on RNA splicing suggest that this variant may disrupt the consensus splice site. This variant is located in the I band of TTN (PMID: 25589632). Truncating variants in this region have been shown to be highly prevalent in the general population and unaffected individuals (PMID: 26701604, 22335739). However, truncating variants in this region have also been reported in individuals affected with autosomal recessive centronuclear myopathy (PMID: 23975875).

Literature cited by the submitters: PubMed 25589632; PubMed 26701604; PubMed 22335739; PubMed 23975875.

NM_001267550.2(TTN):c.34486A>T (p.Lys11496Ter)

Gene: TTN (titin; minus strand). Cytogenetic location: 2q31.2.
Variant type: single nucleotide variant.
Coding change: c.34486A>T on transcript NM_001267550.2 (MANE Select); coding-DNA position 34486, A replaced by T.
Protein change: p.Lys11496Ter; replaces lysine 11496 with a stop codon.
Molecular consequence: nonsense. On other transcripts: intron variant (5).
Genome position (GRCh38, 1-based): chr2:178,675,722, T>A on the plus strand (A>T on the coding strand, the complement: TTN is on the minus strand). VCF-style: chr2-178675722-T-A. GRCh37 (hg19) VCF-style: chr2-179540449-T-A.
Other names: c.13283-33405A>T (NM_003319.4); c.13859-33405A>T (NM_133437.4); c.13658-33405A>T (NM_133432.3); c.30634+199A>T (NM_133378.4); c.33415+199A>T (NM_001256850.1); short protein forms K11496*.
Identifiers: ClinVar variation 2939706 (VCV002939706.3), dbSNP rs1034048129, ClinGen allele CA349525410.